The following is an entry in ClinVar:

ClinVar aggregate classification (germline): Conflicting classifications of pathogenicity. Review status: criteria provided, conflicting classifications (1 of 4 stars). 6 submissions from 6 submitters: Uncertain significance (4); Benign (1); Likely benign (1). Last evaluated 2026-05-03.

Conditions:
TTC21B-related disorder. Also called: TTC21B-related condition; TTC21B-related disorders.
Nephronophthisis 12 (NPHP12). Identifiers: Orphanet 655, MedGen C3151186, MONDO:0013442, OMIM 613820.
Asphyxiating thoracic dystrophy 4 (SRTD4). Also called: SHORT-RIB THORACIC DYSPLASIA 4 WITH OR WITHOUT POLYDACTYLY; SHORT-RIB THORACIC DYSPLASIA 4. Identifiers: Orphanet 474, MedGen C3151185, MONDO:0013441, OMIM 613819.
Nephronophthisis. Also called: Juvenile Nephronophthisis. Identifiers: Orphanet 655, MedGen C0687120, MONDO:0019005, HP:0000090.
Jeune thoracic dystrophy. Also called: Jeune syndrome; Infantile thoracic dystrophy; Thoracic pelvic phalangeal dystrophy; Jeune's syndrome; Chondroectodermal dysplasia-like syndrome; Short-rib thoracic dysplasia. Identifiers: Orphanet 474, MedGen C0265275, MONDO:0018770.
Inborn genetic diseases. Identifiers: MedGen C0950123, MeSH D030342.

Allele frequency attached by ClinVar (database versions not stated): gnomAD 0.00003; gnomAD exomes 0.00003 and 0.00009; ExAC 0.00006; TOPMed 0.00009.
gnomAD v4.1: 44 of 1,613,016 alleles (0.0027%); highest among the groups gnomAD compares: East Asian, 0.065%; no homozygotes.

Submissions (6):

PreventionGenetics, part of Exact Sciences
Classification: Uncertain significance for TTC21B-related condition. Last evaluated: 2026-05-03. Review status: criteria provided, single submitter. Criteria: ACMG Guidelines, 2015. Collection method: clinical testing. Allele origin: germline.
Comment: The TTC21B c.235T>C variant is predicted to result in the amino acid substitution p.Tyr79His. This variant was reported in the compound heterozygous state in an individual with short long bone (Supplemental Table S8, Fu et al. 2022. PubMed ID: 36307859). This variant is reported in 0.12% of alleles in individuals of East Asian descent in gnomAD. Although we suspect that this variant may be benign, at this time, the clinical significance of this variant is uncertain due to the absence of conclusive functional and genetic evidence.

Labcorp Genetics (formerly Invitae), Labcorp
Classification: Likely benign for Jeune thoracic dystrophy; Nephronophthisis. Last evaluated: 2025-12-28. Review status: criteria provided, single submitter. Criteria: Invitae Variant Classification Sherloc (09022015). Collection method: clinical testing. Allele origin: germline.

Ambry Genetics
Classification: Uncertain significance for Inborn genetic diseases. Last evaluated: 2025-12-10. Review status: criteria provided, single submitter. Criteria: Ambry Variant Classification Scheme 2023. Collection method: clinical testing. Allele origin: germline.

GeneDx
Classification: Uncertain significance. Last evaluated: 2025-07-08. Review status: criteria provided, single submitter. Criteria: GeneDx Variant Classification Process June 2021. Collection method: clinical testing. Allele origin: germline. Affected: yes.
Comment: In silico analysis supports that this missense variant has a deleterious effect on protein structure/function; This variant is associated with the following publications: (PMID: 36307859)

Blueprint Genetics
Classification: Benign. Last evaluated: 2024-11-01. Review status: criteria provided, single submitter. Criteria: ACMG Guidelines, 2015. Collection method: clinical testing. Allele origin: germline.

Fulgent Genetics
Classification: Uncertain significance for Asphyxiating thoracic dystrophy 4; Nephronophthisis 12. Last evaluated: 2021-10-15. Review status: criteria provided, single submitter. Criteria: ACMG Guidelines, 2015. Collection method: clinical testing. Allele origin: unknown.

NM_024753.5(TTC21B):c.235T>C (p.Tyr79His)

Gene: TTC21B (tetratricopeptide repeat domain 21B; minus strand). Cytogenetic location: 2q24.3.
Variant type: single nucleotide variant.
Coding change: c.235T>C on transcript NM_024753.5 (MANE Select); coding-DNA position 235, T replaced by C.
Protein change: p.Tyr79His; replaces tyrosine 79 with histidine.
Molecular consequence: missense variant.
Genome position (GRCh38, 1-based): chr2:165,949,421, A>G on the plus strand (T>C on the coding strand, the complement: TTC21B is on the minus strand). VCF-style: chr2-165949421-A-G. GRCh37 (hg19) VCF-style: chr2-166805931-A-G.
Other names: c.235T>C (NM_024753.3); short protein forms Y79H.
Identifiers: ClinVar variation 845549 (VCV000845549.13), dbSNP rs752147287, ClinGen allele CA1942514.